The following is an entry in ClinVar:

ClinVar aggregate classification (germline): Uncertain significance (1 of 4 stars; one submission).

Submission:

ISCA site 14
Classification: Uncertain significance. Last evaluated: 2011-08-12. Review status: criteria provided, single submitter. Criteria: Kaminsky et al. (Genet Med. 2011). Collection method: clinical testing. Allele origin: unknown. Affected: yes. Observed: 1 variant allele.
Comment: Copy number variation identified through the course of routine clinical cytogenomic testing in postnatal populations. Clinical assertions have been curated as described in Kaminsky et al. 2011.

GRCh38/hg38 1q43-44(chr1:243264206-243716856)x1

Genes: AKT3 (AKT serine/threonine kinase 3; minus strand), MIR4677 (microRNA 4677; plus strand), SDCCAG8 (SHH signaling and ciliogenesis regulator SDCCAG8; plus strand), LOC110120698 (VISTA enhancer hs545; plus strand), LOC122152351 (Sharpr-MPRA regulatory region 8354; plus strand) and 4 more. Cytogenetic location: 1q43-44.
Variant type: copy number loss.
Change: copy number 1 (one copy instead of two) of chr1:243,264,206-243,716,856 (452.7 kb, GRCh38 coordinates, 1-based), cytogenetic band 1q43-44.
Identifiers: ClinVar variation 59395 (VCV000059395.1).